The following is an entry in ClinVar:

NM_001372044.2(SHANK3):c.2128G>A (p.Gly710Arg)

Gene: SHANK3 (SH3 and multiple ankyrin repeat domains 3; plus strand). Cytogenetic location: 22q13.33.
Variant type: single nucleotide variant.
Coding change: c.2128G>A on transcript NM_001372044.2 (MANE Select); coding-DNA position 2128, G replaced by A.
Protein change: p.Gly710Arg; replaces glycine 710 with arginine.
Molecular consequence: missense variant.
Genome position (GRCh38, 1-based): chr22:50,704,970, G>A. VCF-style: chr22-50704970-G-A. GRCh37 (hg19) VCF-style: chr22-51143398-G-A.
Other names: c.1903G>A (NM_033517.1); short protein forms G710R.
Identifiers: ClinVar variation 3766243 (VCV003766243.2).

ClinVar aggregate classification (germline): Conflicting classifications of pathogenicity. Review status: criteria provided, conflicting classifications (1 of 4 stars). 2 submissions from 2 submitters: Uncertain significance (1); Likely benign (1). Last evaluated 2026-08-25.

Conditions:
SHANK3-related disorder. Also called: SHANK3-related condition.

Submissions (2):

PreventionGenetics, part of Exact Sciences
Classification: Likely benign for SHANK3-related condition. Last evaluated: 2026-08-25. Review status: criteria provided, single submitter. Criteria: ACMG Guidelines, 2015. Collection method: clinical testing. Allele origin: germline.
Comment: This variant is classified as likely benign based on ACMG/AMP sequence variant interpretation guidelines (Richards et al. 2015 PMID: 25741868, with internal and published modifications).

GeneDx
Classification: Uncertain significance. Last evaluated: 2024-08-26. Review status: criteria provided, single submitter. Criteria: GeneDx Variant Classification Process June 2021. Collection method: clinical testing. Allele origin: germline. Affected: yes.
Comment: Has not been previously published as pathogenic or benign to our knowledge; In-silico analysis is inconclusive as to whether the variant impacts protein structure/function. In the absence of functional studies, the actual effect of this sequence change is unknown; This variant is associated with the following publications: (PMID: 32519210)